The following is an entry in ClinVar:

NM_206933.4(USH2A):c.6080A>C (p.Asn2027Thr)

Gene: USH2A (usherin; minus strand). Cytogenetic location: 1q41.
Variant type: single nucleotide variant.
Coding change: c.6080A>C on transcript NM_206933.4 (MANE Select); coding-DNA position 6080, A replaced by C.
Protein change: p.Asn2027Thr; replaces asparagine 2027 with threonine.
Molecular consequence: missense variant.
Genome position (GRCh38, 1-based): chr1:216,048,617, T>G on the plus strand (A>C on the coding strand, the complement: USH2A is on the minus strand). VCF-style: chr1-216048617-T-G. GRCh37 (hg19) VCF-style: chr1-216221959-T-G.
Other names: short protein forms N2027T.
Identifiers: ClinVar variation 959115 (VCV000959115.8), dbSNP rs144112891, ClinGen allele CA1395243.
Genomic context (GRCh38, chr1:216,048,617, plus strand): 5'-AATGCATGTGAGCTCTCAGTACAGCCAGCCAAAGTGCAAGCAGTTAGGGTTACTGCATAG[T>G]TTTTGAAGGGTAGCAAGCCTGTCAATATGCCTATAATAAAAAGGGACAAAAGAGGGTTGC-3'
Protein context (NP_996816.3, residues 2017-2037): GILTGLLPFK[Asn2027Thr]YAVTLTACTL

ClinVar aggregate classification (germline): Uncertain significance. Review status: criteria provided, multiple submitters, no conflicts (2 of 4 stars). 6 submissions from 5 submitters: Uncertain significance (4). 2 of the submissions do not count toward it. Last evaluated 2023-11-04.

Conditions:
USH2A-related disorder. Also called: USH2A-related disorders; USH2A-related condition. Identifiers: MedGen CN239332.
Retinitis pigmentosa 39 (RP39). Identifiers: Orphanet 791, MedGen C3151138, MONDO:0013436, OMIM 613809.
Usher syndrome type 2A. Also called: RETINAL DISEASE IN USHER SYNDROME TYPE IIA, MODIFIER OF; USHER SYNDROME, TYPE IIA. Identifiers: Orphanet 231178, Orphanet 886, MedGen C1848634, MONDO:0010169, OMIM 276901.

Allele frequency attached by ClinVar (database versions not stated): gnomAD 0.00011 and 0.00013; TOPMed 0.00020; gnomAD exomes 0.00001 and 0.00004; ExAC 0.00005; ESP Exome Variant Server 0.00038.
gnomAD v4.1: 35 of 1,613,958 alleles (0.0022%); highest among the groups gnomAD compares: African/African-American, 0.043%; no homozygotes.

Submissions (6):

Genome-Nilou Lab
Classification: Uncertain significance for Retinitis pigmentosa 39. Last evaluated: 2023-11-04. Review status: criteria provided, single submitter. Criteria: ACMG Guidelines, 2015. Collection method: clinical testing. Allele origin: germline. Affected: no.

Genome-Nilou Lab
Classification: Uncertain significance for Usher syndrome type 2A. Last evaluated: 2023-11-04. Review status: criteria provided, single submitter. Criteria: ACMG Guidelines, 2015. Collection method: clinical testing. Allele origin: germline. Affected: no.

Labcorp Genetics (formerly Invitae), Labcorp
Classification: Uncertain significance. Last evaluated: 2022-10-17. Review status: criteria provided, single submitter. Criteria: Invitae Variant Classification Sherloc (09022015). Collection method: clinical testing. Allele origin: germline.
Comment: This sequence change replaces asparagine, which is neutral and polar, with threonine, which is neutral and polar, at codon 2027 of the USH2A protein (p.Asn2027Thr). This variant is present in population databases (rs144112891, gnomAD 0.03%). This variant has not been reported in the literature in individuals affected with USH2A-related conditions. ClinVar contains an entry for this variant (Variation ID: 959115). Advanced modeling of protein sequence and biophysical properties (such as structural, functional, and spatial information, amino acid conservation, physicochemical variation, residue mobility, and thermodynamic stability) performed at Invitae indicates that this missense variant is not expected to disrupt USH2A protein function. In summary, the available evidence is currently insufficient to determine the role of this variant in disease. Therefore, it has been classified as a Variant of Uncertain Significance.

GeneDx
Classification: Uncertain significance. Last evaluated: 2022-05-16. Review status: criteria provided, single submitter. Criteria: GeneDx Variant Classification Process June 2021. Collection method: clinical testing. Allele origin: germline. Affected: yes.
Comment: In silico analysis supports that this missense variant does not alter protein structure/function; Has not been previously published as pathogenic or benign to our knowledge

PreventionGenetics, part of Exact Sciences
Classification: Uncertain significance for USH2A-related condition. Last evaluated: 2024-08-15. Review status: no assertion criteria provided. Collection method: clinical testing. Allele origin: germline. Not counted in ClinVar's aggregate classification.
Comment: The USH2A c.6080A>C variant is predicted to result in the amino acid substitution p.Asn2027Thr. To our knowledge, this variant has not been reported in the literature. This variant is reported in 0.036% of alleles in individuals of African descent in gnomAD. At this time, the clinical significance of this variant is uncertain due to the absence of conclusive functional and genetic evidence.

Natera, Inc.
Classification: Uncertain significance for Usher syndrome type 2A. Last evaluated: 2020-03-17. Review status: no assertion criteria provided. Collection method: clinical testing. Allele origin: germline. Not counted in ClinVar's aggregate classification.